The following is an entry in ClinVar:

ClinVar aggregate classification (germline): Uncertain significance (1 of 4 stars; one submission).

Conditions:
Charcot-Marie-Tooth disease axonal type 2O. Also called: CHARCOT-MARIE-TOOTH NEUROPATHY, AXONAL, TYPE 2O; CHARCOT-MARIE-TOOTH DISEASE, AXONAL, AUTOSOMAL DOMINANT, TYPE 2O; Charcot-Marie-Tooth Neuropathy Type 2O; Charcot-Marie-Tooth disease, axonal, type 20. Identifiers: Orphanet 284232, MedGen C3280220, MONDO:0013644, OMIM 614228.

Submission:

Labcorp Genetics (formerly Invitae), Labcorp
Classification: Uncertain significance for Charcot-Marie-Tooth disease axonal type 2O. Last evaluated: 2024-05-02. Review status: criteria provided, single submitter. Criteria: Invitae Variant Classification Sherloc (09022015). Collection method: clinical testing. Allele origin: germline.
Comment: This sequence change replaces asparagine, which is neutral and polar, with lysine, which is basic and polar, at codon 524 of the DYNC1H1 protein (p.Asn524Lys). This variant is not present in population databases (gnomAD no frequency). This variant has not been reported in the literature in individuals affected with DYNC1H1-related conditions. Advanced modeling of protein sequence and biophysical properties (such as structural, functional, and spatial information, amino acid conservation, physicochemical variation, residue mobility, and thermodynamic stability) performed at Invitae indicates that this missense variant is not expected to disrupt DYNC1H1 protein function with a negative predictive value of 95%. In summary, the available evidence is currently insufficient to determine the role of this variant in disease. Therefore, it has been classified as a Variant of Uncertain Significance.

NM_001376.5(DYNC1H1):c.1572C>A (p.Asn524Lys)

Gene: DYNC1H1 (dynein cytoplasmic 1 heavy chain 1; plus strand). Cytogenetic location: 14q32.31.
Variant type: single nucleotide variant.
Coding change: c.1572C>A on transcript NM_001376.5 (MANE Select); coding-DNA position 1572, C replaced by A.
Protein change: p.Asn524Lys; replaces asparagine 524 with lysine.
Molecular consequence: missense variant.
Genome position (GRCh38, 1-based): chr14:101,985,797, C>A. VCF-style: chr14-101985797-C-A. GRCh37 (hg19) VCF-style: chr14-102452134-C-A.
Other names: short protein forms N524K.
Identifiers: ClinVar variation 3712393 (VCV003712393.2).